The following is an entry in ClinVar:

NC_000016.9:g.(?_84179046)_(84193421_?)del

Gene: DNAAF1 (dynein axonemal assembly factor 1; plus strand). Cytogenetic location: 16q23.3.
Variant type: Deletion.
Identifiers: ClinVar variation 1457184 (VCV001457184.12).

ClinVar aggregate classification (germline): Pathogenic (1 of 4 stars; one submission).

Conditions:
Primary ciliary dyskinesia. Also called: Ciliary dyskinesia. Identifiers: Orphanet 244, MedGen C0008780, MONDO:0016575, HP:0012265.

Submission:

Labcorp Genetics (formerly Invitae), Labcorp
Classification: Pathogenic for Primary ciliary dyskinesia. Last evaluated: 2021-04-05. Review status: criteria provided, single submitter. Criteria: Invitae Variant Classification Sherloc (09022015). Collection method: clinical testing. Allele origin: germline.
Comment: For these reasons, this variant has been classified as Pathogenic. This variant has not been reported in the literature in individuals with DNAAF1-related conditions. This variant is a gross deletion of the genomic region encompassing exon(s) 1-6 of the DNAAF1 gene, which includes the initiator codon. The 5' end of this event is unknown as it extends beyond the assayed region for this gene and therefore may encompass additional genes. The 3' boundary is likely confined to intron 6 of the DNAAF1 gene. It is expected to result in an absent or disrupted protein product. Loss-of-function variants in DNAAF1 are known to be pathogenic (PMID: 19944400, 19944405).

Literature cited by the submitters: PubMed 19944400; PubMed 19944405.